The following is an entry in ClinVar:

ClinVar aggregate classification (germline): Conflicting classifications of pathogenicity. Review status: criteria provided, conflicting classifications (1 of 4 stars). 6 submissions from 6 submitters: Uncertain significance (4); Likely benign (2). Last evaluated 2026-01-28.

Conditions:
Inborn genetic diseases. Identifiers: MedGen C0950123, MeSH D030342.
Fetal akinesia deformation sequence 1 (FADS1). Also called: Pena-Shokeir syndrome type I; Fetal akinesia sequence. Identifiers: Orphanet 994, MedGen C1276035, MONDO:0100101, OMIM 208150, HP:0001989.
Congenital myasthenic syndrome 10. Also called: Myasthenia, limb-girdle, familial. Identifiers: Orphanet 590, MedGen C1850792, MONDO:0009690, OMIM 254300.

Allele frequency attached by ClinVar (database versions not stated): 1000 Genomes Project 30x 0.00016; 1000 Genomes Project 0.00020; gnomAD 0.00068 and 0.00073; ESP Exome Variant Server 0.00085; TOPMed 0.00089; ExAC 0.00114.
gnomAD v4.1: 1,669 of 1,605,702 alleles (0.1%); highest among the groups gnomAD compares: Admixed American, 0.13%; 2 homozygotes.

Submissions (6):

Labcorp Genetics (formerly Invitae), Labcorp
Classification: Likely benign for Congenital myasthenic syndrome 10; Fetal akinesia deformation sequence 1. Last evaluated: 2026-01-28. Review status: criteria provided, single submitter. Criteria: Invitae Variant Classification Sherloc (09022015). Collection method: clinical testing. Allele origin: germline.

Ambry Genetics
Classification: Uncertain significance for Inborn genetic diseases. Last evaluated: 2025-11-26. Review status: criteria provided, single submitter. Criteria: Ambry Variant Classification Scheme 2023. Collection method: clinical testing. Allele origin: germline.

Revvity Omics, Revvity
Classification: Likely benign. Last evaluated: 2025-04-02. Review status: criteria provided, single submitter. Criteria: ACMG Guidelines, 2015. Collection method: clinical testing. Allele origin: germline.

GeneDx
Classification: Uncertain significance. Last evaluated: 2024-11-11. Review status: criteria provided, single submitter. Criteria: GeneDx Variant Classification Process June 2021. Collection method: clinical testing. Allele origin: germline. Affected: yes.
Comment: De novo variant with confirmed parentage in a patient in published literature from a cohort of individuals with developmental disorders; however, detailed clinical information was not provided, and the patient harbored additional de novo variants (PMID: 33057194); In silico analysis supports that this missense variant has a deleterious effect on protein structure/function; This variant is associated with the following publications: (PMID: 35982159, 33057194)

CeGaT Center for Human Genetics Tuebingen
Classification: Uncertain significance. Last evaluated: 2021-09-01. Review status: criteria provided, single submitter. Criteria: CeGaT Center For Human Genetics Tuebingen Variant Classification Criteria Version 2. Collection method: clinical testing. Allele origin: germline. Affected: yes. Observed: 2 variant alleles.

Mayo Clinic Laboratories, Mayo Clinic
Classification: Uncertain significance for Congenital myasthenic syndrome 10. Last evaluated: 2017-06-01. Review status: criteria provided, single submitter. Criteria: ACMG Guidelines, 2015. Collection method: clinical testing. Allele origin: maternal.

NM_173660.5(DOK7):c.1171G>A (p.Gly391Arg)

Gene: DOK7 (docking protein 7; plus strand). Cytogenetic location: 4p16.3.
Variant type: single nucleotide variant.
Coding change: c.1171G>A on transcript NM_173660.5 (MANE Select); coding-DNA position 1171, G replaced by A.
Protein change: p.Gly391Arg; replaces glycine 391 with arginine.
Molecular consequence: missense variant. On other transcripts: 3 prime UTR variant (1).
Genome position (GRCh38, 1-based): chr4:3,493,157, G>A. VCF-style: chr4-3493157-G-A. GRCh37 (hg19) VCF-style: chr4-3494884-G-A.
Other names: c.*392G>A (NM_001164673.2); c.241G>A, p.Gly81Arg (NM_001256896.2); c.1171G>A, p.Gly391Arg (NM_001301071.2); c.739G>A, p.Gly247Arg (NM_001363811.2); short protein forms G391R, G81R, G247R.
Identifiers: ClinVar variation 465670 (VCV000465670.56), dbSNP rs144158112, ClinGen allele CA2829394.